The following is an entry in ClinVar:

ClinVar aggregate classification (germline): Uncertain significance. Review status: criteria provided, single submitter (1 of 4 stars). 2 submissions from 2 submitters: Uncertain significance (1). 1 of the submissions does not count toward it. Last evaluated 2024-01-13.

Conditions:
CEP290-related disorder. Also called: CEP290-related disorders; CEP290-related condition. Identifiers: MedGen CN239314.
Leber congenital amaurosis 10 (LCA10). Identifiers: Orphanet 65, MedGen C1857821, MONDO:0012723, OMIM 611755.
Joubert syndrome 5 (JBTS5). Identifiers: Orphanet 2318, MedGen C1857780, MONDO:0012432, OMIM 610188.
Bardet-Biedl syndrome 14 (BBS14). Identifiers: Orphanet 110, MedGen C2673874, MONDO:0014442, OMIM 615991.
Meckel syndrome, type 4 (MKS4). Also called: MECKEL-GRUBER SYNDROME, TYPE 4. Identifiers: Orphanet 564, MedGen C1970161, MONDO:0012626, OMIM 611134.
Senior-Loken syndrome 6 (SLSN6). Identifiers: Orphanet 3156, MedGen C1857779, MONDO:0012433, OMIM 610189.

Submissions (2):

Fulgent Genetics
Classification: Uncertain significance for Joubert syndrome 5; Senior-Loken syndrome 6; Meckel syndrome, type 4; Leber congenital amaurosis 10; Bardet-Biedl syndrome 14. Last evaluated: 2024-01-13. Review status: criteria provided, single submitter. Criteria: ACMG Guidelines, 2015. Collection method: clinical testing. Allele origin: germline.

PreventionGenetics, part of Exact Sciences
Classification: Likely benign for CEP290-related condition. Last evaluated: 2023-02-15. Review status: no assertion criteria provided. Collection method: clinical testing. Allele origin: germline. Not counted in ClinVar's aggregate classification.
Comment: This variant is classified as likely benign based on ACMG/AMP sequence variant interpretation guidelines (Richards et al. 2015 PMID: 25741868, with internal and published modifications).

NM_025114.4(CEP290):c.442-12_442-3del

Gene: CEP290 (centrosomal protein 290; minus strand). Cytogenetic location: 12q21.32.
Variant type: Deletion.
Coding change: c.442-12_442-3del on transcript NM_025114.4 (MANE Select); 12 bases into the intron before coding-DNA position 442 through 3 bases into the intron before coding-DNA position 442, 10 bases deleted (TTACTATTTT; older notation c.442-12_442-3delTTACTATTTT).
Molecular consequence: intron variant.
Genome position (GRCh38, 1-based): chr12:88,131,221-88,131,230, AAAATAGTAA deleted on the plus strand (TTACTATTTT on the coding strand, the reverse complement: CEP290 is on the minus strand); deleting any 10 consecutive bases within chr12:88,131,221-88,131,234 gives the same sequence; the c. name uses the placement nearest the transcript's 3' end. VCF-style (leftmost placement, unchanged base first): chr12-88131220-TAAAATAGTAA-T. GRCh37 (hg19) VCF-style: chr12-88524997-TAAAATAGTAA-T.
Identifiers: ClinVar variation 3356281 (VCV003356281.2).